The following is an entry in ClinVar:

ClinVar aggregate classification (germline): Uncertain significance (1 of 4 stars; one submission).

Conditions:
FRAXE. Also called: FRAXE Syndrome; Intellectual disability, X-linked, FRAXE type; Intellectual developmental disorder, X-linked 109; FRAXE intellectual disability; Fragile XE syndrome. Identifiers: Orphanet 100973, MedGen C0751157, MONDO:0010659, OMIM 309548. Disease mechanism: loss of function.

Submission:

3billion
Classification: Uncertain significance for FRAXE. Last evaluated: 2025-12-08. Review status: criteria provided, single submitter. Criteria: ACMG Guidelines, 2015. Collection method: clinical testing. Allele origin: germline. Affected: yes.
Comment: The variant is not observed in the gnomAD v4.1.0 dataset. Predicted Consequence/Location: Missense variant In silico tool predictions suggest damaging effect of the variant on gene or gene product [REVEL: 0.78 (>=0.6, sensitivity 0.68 and specificity 0.92)]. Therefore, this variant is classified as VUS according to the recommendation of ACMG/AMP guideline.

NM_002025.4(AFF2):c.1274A>G (p.Asp425Gly)

Gene: AFF2 (ALF transcription elongation factor 2; plus strand). Cytogenetic location: Xq28.
Variant type: single nucleotide variant.
Coding change: c.1274A>G on transcript NM_002025.4 (MANE Select); coding-DNA position 1274, A replaced by G.
Protein change: p.Asp425Gly; replaces aspartic acid 425 with glycine.
Molecular consequence: missense variant.
Genome position (GRCh38, 1-based): chrX:148,885,900, A>G. VCF-style: chrX-148885900-A-G. GRCh37 (hg19) VCF-style: chrX-147967430-A-G.
Other names: c.1175A>G, p.Asp392Gly (NM_001169122.2); c.1244A>G, p.Asp415Gly (NM_001169123.2); c.1169A>G, p.Asp390Gly (NM_001169124.2); c.1157A>G, p.Asp386Gly (NM_001169125.2); c.197A>G, p.Asp66Gly (NM_001170628.1); short protein forms D386G, D390G, D392G, D415G, D425G, D66G.
Identifiers: ClinVar variation 4854148 (VCV004854148.1).